The following is an entry in ClinVar:

ClinVar aggregate classification (germline): Conflicting classifications of pathogenicity. Review status: criteria provided, conflicting classifications (1 of 4 stars). 4 submissions from 4 submitters: Pathogenic (1); Likely pathogenic (1); Uncertain significance (2). Last evaluated 2026-04-14.

Conditions:
Progressive familial intrahepatic cholestasis type 2. Identifiers: Orphanet 79304, MedGen C3489789, MONDO:0011156, OMIM 601847.
Familial intrahepatic cholestasis. Identifiers: Orphanet 284385, MedGen CN296401, MONDO:0017290.

Allele frequency attached by ClinVar (database versions not stated): gnomAD exomes below 0.00001; gnomAD 0.00001; TOPMed 0.00001.
gnomAD v4.1: 2 of 1,609,566 alleles (0.00012%); highest among the groups gnomAD compares: African/African-American, 0.0013%; no homozygotes.

Submissions (4):

Genomenon, Inc
Classification: Uncertain significance for Familial intrahepatic cholestasis. Last evaluated: 2026-04-14. Review status: criteria provided, single submitter. Criteria: Genomenon Sequence Variant Interpretation Standards - Updated. Collection method: curation. Allele origin: germline. Affected: yes.
Comment: ABCB11 p.Ile420Thr (c.1259T>C) is a missense variant that changes the amino acid at residue 420 from Isoleucine to Threonine. This variant has been observed in at least one proband with an ABCB11-related disorder (PMID:20232290). The variant was found to segregate with disease in at least one affected family (PMID:20232290). It has been observed in trans with a pathogenic or likely pathogenic variant (PMID:20232290). It is absent or not present at a significant frequency in gnomAD. In silico models predict that this variant is possibly or probably damaging. In conclusion, we classify ABCB11 p.Ile420Thr (c.1259T>C) as a variant of uncertain significance.

Broad Center for Mendelian Genomics, Broad Institute of MIT and Harvard
Classification: Uncertain significance for Progressive familial intrahepatic cholestasis type 2. Last evaluated: 2025-01-29. Review status: criteria provided, single submitter. Criteria: ACMG Guidelines, 2015. Collection method: curation. Allele origin: germline. Inheritance: Autosomal recessive inheritance.
Comment: The p.Ile420Thr variant in ABCB11 has been reported, in the compound heterozygous state, in 1 individual with BSEP deficiency (PMID: 20232290), and has been identified in 0.001% (1/74800) of African/African American chromosomes by the Genome Aggregation Database (gnomAD; dbSNP rs1693919240). Although this variant has been seen in the general population in a heterozygous state, its frequency is low enough to be consistent with a recessive carrier frequency. Computational prediction tools and conservation analyses suggest that this variant may impact the protein, though this information is not predictive enough to determine pathogenicity. In summary, the clinical significance of the p.Ile420Thr variant is uncertain. ACMG/AMP Criteria applied: PP3_moderate, PM3, PM2_supporting (Richards 2015).

Natera, Inc.
Classification: Likely pathogenic for Progressive familial intrahepatic cholestasis type 2. Last evaluated: 2024-05-08. Review status: criteria provided, single submitter. Criteria: Natera Variant Classification Schema (03/2026). Collection method: clinical testing. Allele origin: germline.
Comment: The c.1259T>C variant in ABCB11 is a missense variant predicted to cause substitution of isoleucine to threonine at amino acid 420. This variant is rare in the general population with a frequency below the threshold expected for the associated phenotype(s). This variant has been observed in one or more individuals affected with the associated recessive disease, as either homozygous or compound heterozygous with a second variant (PMID: 20232290). Additionally, this variant has been observed to segregate in affected family members (PMID: 20232290). Computational prediction algorithms indicate this variant is likely to affect gene or protein function. Given the available evidence, this variant is classified as Likely Pathogenic.

Labcorp Genetics (formerly Invitae), Labcorp
Classification: Pathogenic. Last evaluated: 2023-06-23. Review status: criteria provided, single submitter. Criteria: Invitae Variant Classification Sherloc (09022015). Collection method: clinical testing. Allele origin: germline.
Comment: For these reasons, this variant has been classified as Pathogenic. Advanced modeling of protein sequence and biophysical properties (such as structural, functional, and spatial information, amino acid conservation, physicochemical variation, residue mobility, and thermodynamic stability) performed at Invitae indicates that this missense variant is expected to disrupt ABCB11 protein function. This missense change has been observed in individual(s) with progressive familial intrahepatic cholestasis (PMID: 20232290). In at least one individual the data is consistent with being in trans (on the opposite chromosome) from a pathogenic variant. It has also been observed to segregate with disease in related individuals. This variant is not present in population databases (gnomAD no frequency). This sequence change replaces isoleucine, which is neutral and non-polar, with threonine, which is neutral and polar, at codon 420 of the ABCB11 protein (p.Ile420Thr).

Literature cited by the submitters: PubMed 20232290 (cited by 3 submitters).

NM_003742.4(ABCB11):c.1259T>C (p.Ile420Thr)

Gene: ABCB11 (ATP binding cassette subfamily B member 11; minus strand). Cytogenetic location: 2q31.1.
Variant type: single nucleotide variant.
Coding change: c.1259T>C on transcript NM_003742.4 (MANE Select); coding-DNA position 1259, T replaced by C.
Protein change: p.Ile420Thr; replaces isoleucine 420 with threonine.
Molecular consequence: missense variant.
Genome position (GRCh38, 1-based): chr2:168,976,626, A>G on the plus strand (T>C on the coding strand, the complement: ABCB11 is on the minus strand). VCF-style: chr2-168976626-A-G. GRCh37 (hg19) VCF-style: chr2-169833136-A-G.
Other names: NM_003742.4:c.1259T>C; short protein forms I420T.
Identifiers: ClinVar variation 2734328 (VCV002734328.6), dbSNP rs1693919240, ClinGen allele CA349119000.